The following is an entry in ClinVar:

ClinVar aggregate classification (germline): Pathogenic (1 of 4 stars; one submission).

Conditions:
Neurofibromatosis, type 1 (NF1). Also called: NEUROFIBROMATOSIS, TYPE I, SOMATIC; VON RECKLINGHAUSEN DISEASE; Peripheral type neurofibromatosis; Neurofibromatosis, type I. Identifiers: Orphanet 636, MedGen C0027831, MONDO:0018975, OMIM 162200. Disease mechanism: loss of function.

Submission:

Labcorp Genetics (formerly Invitae), Labcorp
Classification: Pathogenic for Neurofibromatosis, type 1. Last evaluated: 2025-03-25. Review status: criteria provided, single submitter. Criteria: Invitae Variant Classification Sherloc (09022015). Collection method: clinical testing. Allele origin: germline.
Comment: This sequence change creates a premature translational stop signal (p.Cys680*) in the NF1 gene. It is expected to result in an absent or disrupted protein product. Loss-of-function variants in NF1 are known to be pathogenic (PMID: 10712197, 23913538). This variant is not present in population databases (gnomAD no frequency). This variant has not been reported in the literature in individuals affected with NF1-related conditions. For these reasons, this variant has been classified as Pathogenic.

Literature cited by the submitters: PubMed 10712197; PubMed 23913538.

NM_001042492.3(NF1):c.2040C>A (p.Cys680Ter)

Gene: NF1 (neurofibromin 1; plus strand). Cytogenetic location: 17q11.2.
Variant type: single nucleotide variant.
Coding change: c.2040C>A on transcript NM_001042492.3 (MANE Select); coding-DNA position 2040, C replaced by A.
Protein change: p.Cys680Ter; replaces cysteine 680 with a stop codon.
Molecular consequence: nonsense.
Genome position (GRCh38, 1-based): chr17:31,226,473, C>A. VCF-style: chr17-31226473-C-A. GRCh37 (hg19) VCF-style: chr17-29553491-C-A.
Other names: c.2040C>A, p.Cys680Ter (NM_000267.4); short protein forms C680*.
Identifiers: ClinVar variation 4715880 (VCV004715880.1).
Genomic context (GRCh38, chr17:31,226,473, plus strand): 5'-GTCTTCCACCCTTGACTCTCAGGATAGTGCAGCAGGATGCAGCGGAACCCCCCCGATTTG[C>A]CGACAAGCCCAGACCAAACTAGAAGTGGCCCTGTACATGTTTCTGTGGAACCCTGACACT-3'